The following is an entry in ClinVar:

ClinVar aggregate classification (germline): Likely benign. Review status: criteria provided, multiple submitters, no conflicts (2 of 4 stars). 2 submissions from 2 submitters: Likely benign (2). Last evaluated 2024-09-10.

Conditions:
Intellectual developmental disorder, autosomal dominant 1. Also called: MBD5 Haploinsufficiency; Intellectual disability, autosomal dominant 1. Identifiers: Orphanet 228402, MedGen C1969562, MONDO:0007974, OMIM 156200.

Allele frequency attached by ClinVar (database versions not stated): gnomAD exomes 0.00002; ExAC 0.00003; TOPMed 0.00005; gnomAD 0.00007; 1000 Genomes Project 30x 0.00016; 1000 Genomes Project 0.00020.
gnomAD v4.1: 67 of 1,614,056 alleles (0.0042%); highest among the groups gnomAD compares: African/African-American, 0.019%; no homozygotes.

Submissions (2):

Labcorp Genetics (formerly Invitae), Labcorp
Classification: Likely benign for Intellectual developmental disorder, autosomal dominant 1. Last evaluated: 2024-09-10. Review status: criteria provided, single submitter. Criteria: Invitae Variant Classification Sherloc (09022015). Collection method: clinical testing. Allele origin: germline.

GeneDx
Classification: Likely benign. Last evaluated: 2017-02-03. Review status: criteria provided, single submitter. Criteria: GeneDx Variant Classification (06012015). Collection method: clinical testing. Allele origin: germline. Affected: yes.
Comment: This variant is considered likely benign or benign based on one or more of the following criteria: it is a conservative change, it occurs at a poorly conserved position in the protein, it is predicted to be benign by multiple in silico algorithms, and/or has population frequency not consistent with disease.

NM_001378120.1(MBD5):c.3681G>A (p.Ala1227=)

Gene: MBD5 (methyl-CpG binding domain protein 5; plus strand). Cytogenetic location: 2q23.1.
Variant type: single nucleotide variant.
Coding change: c.3681G>A on transcript NM_001378120.1 (MANE Select); coding-DNA position 3681, G replaced by A.
Protein change: p.Ala1227=; no amino-acid change (alanine 1227 retained).
Molecular consequence: synonymous variant.
Genome position (GRCh38, 1-based): chr2:148,485,878, G>A. VCF-style: chr2-148485878-G-A. GRCh37 (hg19) VCF-style: chr2-149243447-G-A.
Other names: c.2982G>A, p.Ala994= (NM_018328.5).
Identifiers: ClinVar variation 507162 (VCV000507162.11), dbSNP rs572893308, ClinGen allele CA1900304.
Genomic context (GRCh38, chr2:148,485,878, plus strand): 5'-GATGTTTCCTCCAAATCAGCAACAGCAGCAACTTCTCCAGGGGTACCAGAATCTCCAGGC[G>A]TTCCAAGGACAGTCCACAATTCCTTGCCCAGCTAACAATAACCCCATGGCTTGTCTGTTT-3'
Protein context (NP_001365049.1, residues 1217-1237): QLLQGYQNLQ[Ala1227=]FQGQSTIPCP